The following is an entry in ClinVar:

ClinVar aggregate classification (germline): Uncertain significance (1 of 4 stars; one submission).

Allele frequency attached by ClinVar (database versions not stated): TOPMed 0.00002.
gnomAD v4.1: 12 of 1,613,294 alleles (0.00074%); highest among the groups gnomAD compares: Non-Finnish European, 0.00093%; no homozygotes.

Submission:

Labcorp Genetics (formerly Invitae), Labcorp
Classification: Uncertain significance. Last evaluated: 2022-08-31. Review status: criteria provided, single submitter. Criteria: Invitae Variant Classification Sherloc (09022015). Collection method: clinical testing. Allele origin: germline.
Comment: In summary, the available evidence is currently insufficient to determine the role of this variant in disease. Therefore, it has been classified as a Variant of Uncertain Significance. Variants that disrupt the consensus splice site are a relatively common cause of aberrant splicing (PMID: 17576681, 9536098). Algorithms developed to predict the effect of sequence changes on RNA splicing suggest that this variant is not likely to affect RNA splicing. ClinVar contains an entry for this variant (Variation ID: 1047673). This variant has not been reported in the literature in individuals affected with A2ML1-related conditions. This variant is not present in population databases (gnomAD no frequency). This sequence change falls in intron 4 of the A2ML1 gene. It does not directly change the encoded amino acid sequence of the A2ML1 protein. It affects a nucleotide within the consensus splice site.

Literature cited by the submitters: PubMed 17576681; PubMed 9536098.

NM_144670.6(A2ML1):c.462+6T>C

Genes: A2ML1 (alpha-2-macroglobulin like 1; plus strand), A2ML1-AS1 (A2ML1 antisense RNA 1; minus strand). Cytogenetic location: 12p13.31.
Variant type: single nucleotide variant.
Coding change: c.462+6T>C on transcript NM_144670.6 (MANE Select); 6 bases into the intron after coding-DNA position 462, T replaced by C.
Molecular consequence: intron variant.
Genome position (GRCh38, 1-based): chr12:8,829,785, T>C. VCF-style: chr12-8829785-T-C. GRCh37 (hg19) VCF-style: chr12-8982381-T-C.
Identifiers: ClinVar variation 1047673 (VCV001047673.7), dbSNP rs926197497, ClinGen allele CA232657028.